The following is an entry in ClinVar:

NM_001077350.3(NPRL3):c.73A>G (p.Arg25Gly)

Genes: HBA-LCR (alpha-globin locus control region; plus strand), NPRL3 (NPR3 like, GATOR1 complex subunit; minus strand). Cytogenetic location: 16p13.3.
Variant type: single nucleotide variant.
Coding change: c.73A>G on transcript NM_001077350.3 (MANE Select); coding-DNA position 73, A replaced by G.
Protein change: p.Arg25Gly; replaces arginine 25 with glycine.
Molecular consequence: missense variant. On other transcripts: 5 prime UTR variant (2).
Genome position (GRCh38, 1-based): chr16:138,195, T>C on the plus strand (A>G on the coding strand, the complement: NPRL3 is on the minus strand). VCF-style: chr16-138195-T-C. GRCh37 (hg19) VCF-style: chr16-188194-T-C.
Other names: c.-260A>G (NM_001039476.3); c.-299A>G (NM_001243247.2); c.73A>G, p.Arg25Gly (NM_001243248.2, NM_001243249.2); short protein forms R25G.
Identifiers: ClinVar variation 2010933 (VCV002010933.4), dbSNP rs2505378814, ClinGen allele CA393999576.

ClinVar aggregate classification (germline): Uncertain significance (1 of 4 stars; one submission).

Conditions:
Epilepsy, familial focal, with variable foci 3 (FFEVF3). Identifiers: MedGen C4310708, MONDO:0014925, OMIM 617118.

Allele frequency attached by ClinVar (database versions not stated): gnomAD exomes below 0.00001.
gnomAD v4.1: 2 of 1,610,278 alleles (0.00012%); highest among the groups gnomAD compares: Non-Finnish European, 0.00017%; no homozygotes.

Submission:

Labcorp Genetics (formerly Invitae), Labcorp
Classification: Uncertain significance for Epilepsy, familial focal, with variable foci 3. Last evaluated: 2024-02-16. Review status: criteria provided, single submitter. Criteria: Invitae Variant Classification Sherloc (09022015). Collection method: clinical testing. Allele origin: germline.
Comment: This sequence change replaces arginine, which is basic and polar, with glycine, which is neutral and non-polar, at codon 25 of the NPRL3 protein (p.Arg25Gly). This variant is not present in population databases (gnomAD no frequency). This variant has not been reported in the literature in individuals affected with NPRL3-related conditions. ClinVar contains an entry for this variant (Variation ID: 2010933). Advanced modeling of protein sequence and biophysical properties (such as structural, functional, and spatial information, amino acid conservation, physicochemical variation, residue mobility, and thermodynamic stability) performed at Invitae indicates that this missense variant is expected to disrupt NPRL3 protein function with a positive predictive value of 80%. In summary, the available evidence is currently insufficient to determine the role of this variant in disease. Therefore, it has been classified as a Variant of Uncertain Significance.